The following is an entry in ClinVar:

ClinVar aggregate classification (germline): Uncertain significance (1 of 4 stars; one submission).

Conditions:
Emery-Dreifuss muscular dystrophy (EDMD). Also called: Scapuloperoneal syndrome, X-linked (formerly); Humeroperoneal neuromuscular disease, (formerly). Identifiers: Orphanet 261, MedGen C0410189, MONDO:0016830.

Submission:

Labcorp Genetics (formerly Invitae), Labcorp
Classification: Uncertain significance for Emery-Dreifuss muscular dystrophy. Last evaluated: 2022-03-22. Review status: criteria provided, single submitter. Criteria: Invitae Variant Classification Sherloc (09022015). Collection method: clinical testing. Allele origin: germline.
Comment: This sequence change replaces aspartic acid, which is acidic and polar, with valine, which is neutral and non-polar, at codon 67 of the SUN1 protein (p.Asp67Val). This variant is not present in population databases (gnomAD no frequency). This variant has not been reported in the literature in individuals affected with SUN1-related conditions. Algorithms developed to predict the effect of missense changes on protein structure and function are either unavailable or do not agree on the potential impact of this missense change (SIFT: "Deleterious"; PolyPhen-2: "Probably Damaging"; Align-GVGD: "Class C0"). Algorithms developed to predict the effect of sequence changes on RNA splicing suggest that this variant may create or strengthen a splice site. In summary, the available evidence is currently insufficient to determine the role of this variant in disease. Therefore, it has been classified as a Variant of Uncertain Significance.

NM_001130965.3(SUN1):c.200A>T (p.Asp67Val)

Gene: SUN1 (Sad1 and UNC84 domain containing 1; plus strand). Cytogenetic location: 7p22.3.
Variant type: single nucleotide variant.
Coding change: c.200A>T on transcript NM_001130965.3 (MANE Select); coding-DNA position 200, A replaced by T.
Protein change: p.Asp67Val; replaces aspartic acid 67 with valine.
Molecular consequence: missense variant. On other transcripts: 5 prime UTR variant (2), non-coding transcript variant (3), intron variant (2).
Genome position (GRCh38, 1-based): chr7:838,920, A>T. VCF-style: chr7-838920-A-T. GRCh37 (hg19) VCF-style: chr7-878557-A-T.
Other names: c.200A>T, p.Asp67Val (NM_001171944.2, NM_001171946.2, NM_001367633.1 and 34 more transcripts); c.263A>T, p.Asp88Val (NM_001171945.2); c.50A>T, p.Asp17Val (NM_001367660.1, NM_001367662.1, NM_001367636.1 and 24 more transcripts); c.-258A>T (NM_001367635.1); c.419A>T, p.Asp140Val (NM_001367651.1); c.-562A>T (NM_001367658.1); c.78-3026A>T (NM_001367695.1); c.-301-3026A>T (NM_001367639.1); short protein forms D88V, D140V, D17V, D67V.
Identifiers: ClinVar variation 1480382 (VCV001480382.6), dbSNP rs371817690, ClinGen allele CA366544784.